The following is an entry in ClinVar:

NM_001365951.3(KIF1B):c.2564T>G (p.Met855Arg)

Gene: KIF1B (kinesin family member 1B; plus strand). Cytogenetic location: 1p36.22.
Variant type: single nucleotide variant.
Coding change: c.2564T>G on transcript NM_001365951.3 (MANE Select); coding-DNA position 2564, T replaced by G.
Protein change: p.Met855Arg; replaces methionine 855 with arginine.
Molecular consequence: missense variant.
Genome position (GRCh38, 1-based): chr1:10,324,784, T>G. VCF-style: chr1-10324784-T-G. GRCh37 (hg19) VCF-style: chr1-10384842-T-G.
Other names: c.2564T>G, p.Met855Arg (NM_001365952.1); c.2426T>G, p.Met809Arg (NM_015074.3); short protein forms M855R, M809R.
Identifiers: ClinVar variation 2625738 (VCV002625738.2), dbSNP rs745565933, ClinGen allele CA338335472.

ClinVar aggregate classification (germline): Uncertain significance (1 of 4 stars; one submission).

Submission:

Ambry Genetics
Classification: Uncertain significance. Last evaluated: 2023-08-30. Review status: criteria provided, single submitter. Criteria: Ambry Variant Classification Scheme 2023. Collection method: clinical testing. Allele origin: germline.
Comment: The p.M809R variant (also known as c.2426T>G), located in coding exon 23 of the KIF1B gene, results from a T to G substitution at nucleotide position 2426. The methionine at codon 809 is replaced by arginine, an amino acid with similar properties. This amino acid position is conserved. In addition, this alteration is predicted to be deleterious by in silico analysis. Since supporting evidence is limited at this time, the clinical significance of this alteration remains unclear.